The following is an entry in ClinVar:

ClinVar aggregate classification (germline): Uncertain significance (1 of 4 stars; one submission).

Conditions:
Spermatogenic failure 18. Identifiers: MedGen C4539783, MONDO:0054615, OMIM 617576.
Ciliary dyskinesia, primary, 37 (CILD37). Also called: CILIARY DYSKINESIA, PRIMARY, 37, WITH OR WITHOUT SITUS INVERSUS. Identifiers: MedGen C4539798, MONDO:0033204, OMIM 617577.

gnomAD v4.1: 2 of 1,613,786 alleles (0.00012%); highest among the groups gnomAD compares: East Asian, 0.0045%; no homozygotes.

Submission:

Labcorp Genetics (formerly Invitae), Labcorp
Classification: Uncertain significance for Ciliary dyskinesia, primary, 37; Spermatogenic failure 18. Last evaluated: 2025-07-08. Review status: criteria provided, single submitter. Criteria: Invitae Variant Classification Sherloc (09022015). Collection method: clinical testing. Allele origin: germline.
Comment: This sequence change affects codon 28 of the DNAH1 mRNA. It is a 'silent' change, meaning that it does not change the encoded amino acid sequence of the DNAH1 protein. This variant is not present in population databases (gnomAD no frequency). This variant has not been reported in the literature in individuals affected with DNAH1-related conditions. Algorithms developed to predict the effect of sequence changes on RNA splicing suggest that this variant may create or strengthen a splice site. In summary, the available evidence is currently insufficient to determine the role of this variant in disease. Therefore, it has been classified as a Variant of Uncertain Significance.

NM_015512.5(DNAH1):c.84G>A (p.Val28=)

Gene: DNAH1 (dynein axonemal heavy chain 1; plus strand). Cytogenetic location: 3p21.1.
Variant type: single nucleotide variant.
Coding change: c.84G>A on transcript NM_015512.5 (MANE Select); coding-DNA position 84, G replaced by A.
Protein change: p.Val28=; no amino-acid change (valine 28 retained).
Molecular consequence: synonymous variant.
Genome position (GRCh38, 1-based): chr3:52,322,526, G>A. VCF-style: chr3-52322526-G-A. GRCh37 (hg19) VCF-style: chr3-52356542-G-A.
Identifiers: ClinVar variation 4794189 (VCV004794189.1).